The following is an entry in ClinVar:

ClinVar aggregate classification (germline): Likely benign. Review status: criteria provided, multiple submitters, no conflicts (2 of 4 stars). 3 submissions from 3 submitters: Likely benign (3). Last evaluated 2025-08-20.

Allele frequency attached by ClinVar (database versions not stated): TOPMed 0.00002; ExAC 0.00003; gnomAD 0.00004; gnomAD exomes 0.00004; ESP Exome Variant Server 0.00008.
gnomAD v4.1: 60 of 1,613,600 alleles (0.0037%); highest among the groups gnomAD compares: East Asian, 0.0045%; no homozygotes.

Submissions (3):

Labcorp Genetics (formerly Invitae), Labcorp
Classification: Likely benign. Last evaluated: 2025-08-20. Review status: criteria provided, single submitter. Criteria: Invitae Variant Classification Sherloc (09022015). Collection method: clinical testing. Allele origin: germline.

CeGaT Center for Human Genetics Tuebingen
Classification: Likely benign. Last evaluated: 2024-08-01. Review status: criteria provided, single submitter. Criteria: CeGaT Center For Human Genetics Tuebingen Variant Classification Criteria Version 2. Collection method: clinical testing. Allele origin: germline. Affected: yes. Observed: 2 variant alleles.
Comment: CARMIL2: BP4, BP7

Blueprint Genetics
Classification: Likely benign. Last evaluated: 2022-07-11. Review status: criteria provided, single submitter. Criteria: ACMG Guidelines, 2015. Collection method: clinical testing. Allele origin: germline.

NM_001013838.3(CARMIL2):c.330C>T (p.His110=)

Gene: CARMIL2 (capping protein regulator and myosin 1 linker 2; plus strand). Cytogenetic location: 16q22.1.
Variant type: single nucleotide variant.
Coding change: c.330C>T on transcript NM_001013838.3 (MANE Select); coding-DNA position 330, C replaced by T.
Protein change: p.His110=; no amino-acid change (histidine 110 retained).
Molecular consequence: synonymous variant.
Genome position (GRCh38, 1-based): chr16:67,646,266, C>T. VCF-style: chr16-67646266-C-T. GRCh37 (hg19) VCF-style: chr16-67680169-C-T.
Other names: c.330C>T, p.His110= (NM_001317026.3).
Identifiers: ClinVar variation 2193154 (VCV002193154.29), dbSNP rs369216701, ClinGen allele CA8113022.